The following is an entry in ClinVar:

NM_032119.4(ADGRV1):c.5086A>G (p.Ile1696Val)

Gene: ADGRV1 (adhesion G protein-coupled receptor V1; plus strand). Cytogenetic location: 5q14.3.
Variant type: single nucleotide variant.
Coding change: c.5086A>G on transcript NM_032119.4 (MANE Select); coding-DNA position 5086, A replaced by G.
Protein change: p.Ile1696Val; replaces isoleucine 1696 with valine.
Molecular consequence: missense variant. On other transcripts: non-coding transcript variant (1).
Genome position (GRCh38, 1-based): chr5:90,674,210, A>G. VCF-style: chr5-90674210-A-G. GRCh37 (hg19) VCF-style: chr5-89970027-A-G.
Other names: short protein forms I1696V.
Identifiers: ClinVar variation 3359470 (VCV003359470.3).
Genomic context (GRCh38, chr5:90,674,210, plus strand): 5'-GGCTCAACTCCTACCAGTGGTGCAAGCATAGATCCTGAAAAGGAAACGACTGATATCACC[A>G]TCAAAGCTAGTGATCATCCATATGGTAACCTGCTCCTTTTGCAAGAAAAATCCTCTCTTC-3'
Protein context (NP_115495.3, residues 1686-1706): DPEKETTDIT[Ile1696Val]KASDHPYGLL

ClinVar aggregate classification (germline): Uncertain significance. Review status: criteria provided, multiple submitters, no conflicts (2 of 4 stars). 3 submissions from 3 submitters: Uncertain significance (3). Last evaluated 2025-08-05.

Conditions:
Inborn genetic diseases. Identifiers: MedGen C0950123, MeSH D030342.

gnomAD v4.1: 31 of 1,609,368 alleles (0.0019%); highest among the groups gnomAD compares: African/African-American, 0.004%; no homozygotes.

Submissions (3):

Ambry Genetics
Classification: Uncertain significance for Inborn genetic diseases. Last evaluated: 2025-08-05. Review status: criteria provided, single submitter. Criteria: Ambry Variant Classification Scheme 2023. Collection method: clinical testing. Allele origin: germline.

Blueprint Genetics
Classification: Uncertain significance. Last evaluated: 2024-10-18. Review status: criteria provided, single submitter. Criteria: ACMG Guidelines, 2015. Collection method: clinical testing. Allele origin: germline.

GeneDx
Classification: Uncertain significance. Last evaluated: 2023-06-06. Review status: criteria provided, single submitter. Criteria: GeneDx Variant Classification Process June 2021. Collection method: clinical testing. Allele origin: germline. Affected: yes.
Comment: Not observed at significant frequency in large population cohorts (gnomAD); In silico analysis supports that this missense variant does not alter protein structure/function; Has not been previously published as pathogenic or benign to our knowledge